The following is an entry in ClinVar:

ClinVar aggregate classification (germline): Uncertain significance (1 of 4 stars; one submission).

gnomAD v4.1: 6 of 1,613,556 alleles (0.00037%); highest among the groups gnomAD compares: East Asian, 0.0089%; no homozygotes.

Submission:

Labcorp Genetics (formerly Invitae), Labcorp
Classification: Uncertain significance. Last evaluated: 2024-05-09. Review status: criteria provided, single submitter. Criteria: Invitae Variant Classification Sherloc (09022015). Collection method: clinical testing. Allele origin: germline.
Comment: This sequence change replaces tyrosine, which is neutral and polar, with aspartic acid, which is acidic and polar, at codon 734 of the TCIRG1 protein (p.Tyr734Asp). This variant is not present in population databases (gnomAD no frequency). This variant has not been reported in the literature in individuals affected with TCIRG1-related conditions. Advanced modeling of protein sequence and biophysical properties (such as structural, functional, and spatial information, amino acid conservation, physicochemical variation, residue mobility, and thermodynamic stability) performed at Invitae indicates that this missense variant is expected to disrupt TCIRG1 protein function with a positive predictive value of 80%. In summary, the available evidence is currently insufficient to determine the role of this variant in disease. Therefore, it has been classified as a Variant of Uncertain Significance.

NM_006019.4(TCIRG1):c.2200T>G (p.Tyr734Asp)

Gene: TCIRG1 (T cell immune regulator 1, ATPase H+ transporting V0 subunit a3; plus strand). Cytogenetic location: 11q13.2.
Variant type: single nucleotide variant.
Coding change: c.2200T>G on transcript NM_006019.4 (MANE Select); coding-DNA position 2200, T replaced by G.
Protein change: p.Tyr734Asp; replaces tyrosine 734 with aspartic acid.
Molecular consequence: missense variant.
Genome position (GRCh38, 1-based): chr11:68,050,218, T>G. VCF-style: chr11-68050218-T-G. GRCh37 (hg19) VCF-style: chr11-67817685-T-G.
Other names: c.1306T>G, p.Tyr436Asp (NM_001351059.2); c.1552T>G, p.Tyr518Asp (NM_006053.4); short protein forms Y436D, Y518D, Y734D.
Identifiers: ClinVar variation 3708517 (VCV003708517.2).